The following is an entry in ClinVar:

NM_001083961.2(WDR62):c.2863G>A (p.Asp955Asn)

Gene: WDR62 (WD repeat domain 62; plus strand). Cytogenetic location: 19q13.12.
Variant type: single nucleotide variant.
Coding change: c.2863G>A on transcript NM_001083961.2 (MANE Select); coding-DNA position 2863, G replaced by A.
Protein change: p.Asp955Asn; replaces aspartic acid 955 with asparagine.
Molecular consequence: missense variant.
Genome position (GRCh38, 1-based): chr19:36,100,871, G>A. VCF-style: chr19-36100871-G-A. GRCh37 (hg19) VCF-style: chr19-36591773-G-A.
Other names: c.2848G>A, p.Asp950Asn (NM_001411145.1); c.2863G>A, p.Asp955Asn (NM_001411146.1, NM_173636.5); c.2512G>A, p.Asp838Asn (NM_001411147.1); short protein forms D950N, D955N, D838N.
Identifiers: ClinVar variation 1993357 (VCV001993357.4), dbSNP rs2513744297, ClinGen allele CA405446343.

ClinVar aggregate classification (germline): Uncertain significance (1 of 4 stars; one submission).

Submission:

Labcorp Genetics (formerly Invitae), Labcorp
Classification: Uncertain significance. Last evaluated: 2022-05-12. Review status: criteria provided, single submitter. Criteria: Invitae Variant Classification Sherloc (09022015). Collection method: clinical testing. Allele origin: germline.
Comment: This sequence change replaces aspartic acid, which is acidic and polar, with asparagine, which is neutral and polar, at codon 955 of the WDR62 protein (p.Asp955Asn). This variant is not present in population databases (gnomAD no frequency). This variant has not been reported in the literature in individuals affected with WDR62-related conditions. In summary, the available evidence is currently insufficient to determine the role of this variant in disease. Therefore, it has been classified as a Variant of Uncertain Significance. Algorithms developed to predict the effect of missense changes on protein structure and function are either unavailable or do not agree on the potential impact of this missense change (SIFT: "Tolerated"; PolyPhen-2: "Possibly Damaging"; Align-GVGD: "Class C0").